The following is an entry in ClinVar:

ClinVar aggregate classification (germline): Pathogenic. Review status: reviewed by expert panel (3 of 4 stars). 10 submissions from 10 submitters: Pathogenic (1). 9 of the submissions do not count toward it. Last evaluated 2016-10-18.

Conditions:
Familial cancer of breast. Also called: Hereditary breast cancer; hereditary breast carcinoma; BREAST CANCER, FAMILIAL. Identifiers: Orphanet 227535, MedGen C0346153, MONDO:0016419, OMIM 114480. Disease mechanism: loss of function.
Breast-ovarian cancer, familial, susceptibility to, 1 (BROVCA1). Also called: OVARIAN CANCER, SUSCEPTIBILITY TO; BRCA1 Hereditary Breast and Ovarian Cancer. Identifiers: Orphanet 145, MedGen C2676676, MONDO:0011450, OMIM 604370. Disease mechanism: loss of function.
Fanconi anemia, complementation group S (FANCS). Identifiers: MedGen C4554406, MONDO:0054748, OMIM 617883.
Hereditary cancer-predisposing syndrome. Also called: Tumor predisposition; Neoplastic Syndromes, Hereditary; Hereditary Cancer Syndrome; Hereditary neoplastic syndrome. Identifiers: Orphanet 140162, MedGen C0027672, MeSH D009386, MONDO:0015356.
Hereditary breast ovarian cancer syndrome. Also called: Hereditary breast and ovarian cancer syndrome (HBOC); Hereditary breast and ovarian cancer syndrome; Hereditary breast and ovarian cancer; Hereditary breast and/or ovarian cancer syndrome; Breast and ovarian cancer; BRCA1- and BRCA2-Associated Hereditary Breast and Ovarian Cancer. Identifiers: Orphanet 145, MedGen C0677776, MeSH D061325, MONDO:0003582. Disease mechanism: loss of function.

Submissions (10):

Evidence-based Network for the Interpretation of Germline Mutant Alleles (ENIGMA)
Classification: Pathogenic for Breast-ovarian cancer, familial, susceptibility to, 1. Last evaluated: 2016-10-18. Review status: reviewed by expert panel. Criteria: ENIGMA BRCA1/2 Classification Criteria (2015). Collection method: curation. Allele origin: germline.
Comment: Variant allele predicted to encode a truncated non-functional protein.

Ambry Genetics
Classification: Pathogenic for Hereditary cancer-predisposing syndrome. Last evaluated: 2026-03-13. Review status: criteria provided, single submitter. Criteria: Ambry Variant Classification Scheme 2023. Collection method: clinical testing. Allele origin: germline. Not counted in ClinVar's aggregate classification.
Comment: The c.2612delCinsTT (p.P871Lfs*32) alteration, located in exon 10 (coding exon 9) of the BRCA1 gene, consists of an deletion of 1 and insertion of 2 nucleotides causing a translational frameshift at position 2612 with a predicted alternate stop codon after 32 amino acids. This variant is expected to result in loss of function by premature protein truncation or nonsense-mediated mRNA decay. This variant was not reported in population-based cohorts in the Genome Aggregation Database (gnomAD). Based on the available evidence, this alteration is classified as pathogenic.

Molecular Diagnostics Laboratory, Catalan Institute of Oncology
Classification: Pathogenic for Hereditary cancer-predisposing syndrome. Last evaluated: 2024-11-17. Review status: criteria provided, single submitter. Criteria: ClinGen BRCA1BRCA2 ACMG Specifications BRCA1 V1.0.0. Collection method: clinical testing. Allele origin: germline. Not counted in ClinVar's aggregate classification.
Comment: PVS1, PM5_PTC_Strong c.2612delinsTT, located in exon 10 (11 in BIC nomenclature) of the BRCA1 gene, consists in the deletion of a nucleotide and a insertion of two nucleotides, causing a translational frameshift with a predicted alternate stop codon, p.(Pro871Leufs*32). This alteration is expected to result in loss of function because the resulting coding sequence is not preserved (PVS1, PM5_PTC_Strong). It is not present in the population database gnomAD v2.1.1, non-cancer dataset. The SpliceAI algorithm predicts no significant impact on splicing. This variant has been reported in the ClinVar database (7x Pathogenic) and classified as a pathogenic variant in BRCA Exchange database (“2016-10-18: Variant allele predicted to encode a truncated non-functional protein”) but it is not present in the LOVD database. Based on currently available information, the variant c.2612delinsTT is classified as a pathogenic variant according to ClinGen-BRCA1 and BRCA2 Guidelines version 1.0.0.

Women's Health and Genetics/Laboratory Corporation of America, LabCorp
Classification: Pathogenic for Hereditary breast ovarian cancer syndrome. Last evaluated: 2022-01-31. Review status: criteria provided, single submitter. Criteria: LabCorp Variant Classification Summary - May 2015. Collection method: clinical testing. Allele origin: germline. Not counted in ClinVar's aggregate classification.
Comment: Variant summary: BRCA1 c.2612delinsTT (p.Pro871LeufsX32) results in a premature termination codon, predicted to cause a truncation of the encoded protein or absence of the protein due to nonsense mediated decay, which are commonly known mechanisms for disease. Truncations downstream of this position have been classified as pathogenic by our laboratory. The variant was absent in 282358 control chromosomes (gnomAD). c.2612delinsTT has been reported in the literature in multiple individuals affected with Hereditary Breast And Ovarian Cancer Syndrome (e.g. Hondow_2011, Rebbeck_2018). These data indicate that the variant is very likely to be associated with disease. Six ClinVar submitters including an expert panel (ENIGMA) (evaluation after 2014) cite the variant as pathogenic. Based on the evidence outlined above, the variant was classified as pathogenic.

Department of Pathology and Laboratory Medicine, Sinai Health System
Classification: Pathogenic for Familial cancer of breast; Breast-ovarian cancer, familial, susceptibility to, 1; Fanconi anemia, complementation group S. Last evaluated: 2020-01-07. Review status: criteria provided, single submitter. Criteria: ACMG Guidelines, 2015. Collection method: clinical testing. Allele origin: germline. Affected: no. Not counted in ClinVar's aggregate classification.

Color Diagnostics, LLC DBA Color Health
Classification: Pathogenic for Hereditary cancer-predisposing syndrome. Last evaluated: 2019-11-20. Review status: criteria provided, single submitter. Criteria: ACMG Guidelines, 2015. Collection method: clinical testing. Allele origin: germline. Not counted in ClinVar's aggregate classification.
Comment: This variant deletes 1 nucleotide and inserts 2 nucleotides in exon 11 of the BRCA1 gene, creating a frameshift and premature translation stop signal. This variant is expected to result in an absent or non-functional protein product. Splice site prediction tools suggest that this variant may not impact RNA splicing. To our knowledge, functional studies have not been performed for this variant. This variant has been reported in individuals affected with breast cancer (PMID: 31706072, 22333603). This variant has not been identified in the general population by the Genome Aggregation Database (gnomAD). Loss of BRCA1 function is a known mechanism of disease. Based on the available evidence, this variant is classified as Pathogenic.

Labcorp Genetics (formerly Invitae), Labcorp
Classification: Pathogenic for Hereditary breast and ovarian cancer syndrome. Last evaluated: 2019-06-08. Review status: criteria provided, single submitter. Criteria: Invitae Variant Classification Sherloc (09022015). Collection method: clinical testing. Allele origin: germline. Not counted in ClinVar's aggregate classification.
Comment: This sequence change creates a premature translational stop signal (p.Pro871Leufs*32) in the BRCA1 gene. It is expected to result in an absent or disrupted protein product. This variant is not present in population databases (ExAC no frequency). This variant has been reported in individuals with a personal and/or family history of breast and/or ovarian cancer (PMID: 21702907, 22333603, 25685387). ClinVar contains an entry for this variant (Variation ID: 54620). Loss-of-function variants in BRCA1 are known to be pathogenic (PMID: 20104584). For these reasons, this variant has been classified as Pathogenic.

GeneDx
Classification: Pathogenic. Last evaluated: 2017-02-06. Review status: criteria provided, single submitter. Criteria: GeneDx Variant Classification (06012015). Collection method: clinical testing. Allele origin: germline. Affected: yes. Not counted in ClinVar's aggregate classification.
Comment: This combined deletion and insertion is denoted BRCA1 c.2612delCinsTT at the cDNA level and p.Pro871LeufsX32 (P871LfsX32) at the protein level. Using alternate nomenclature, this variant would be defined as BRCA1 2731delCinsTT or c.2612delinsTT. The normal sequence, with the bases that are deleted and inserted in brackets, is GCTC[delC][insTT]GTTT. The variant causes a frameshift which changes a Proline to a Leucine at codon 871, and creates a premature stop codon at position 32 of the new reading frame. This variant is predicted to cause loss of normal protein function through either protein truncation or nonsense-mediated mRNA decay. BRCA1 c.2612delCinsTT has been observed in a patient with triple negative breast cancer (Robertson 2012). We consider this variant to be pathogenic.

Consortium of Investigators of Modifiers of BRCA1/2 (CIMBA), c/o University of Cambridge
Classification: Pathogenic for Breast-ovarian cancer, familial, susceptibility to, 1. Last evaluated: 2015-10-02. Review status: criteria provided, single submitter. Criteria: CIMBA Mutation Classification guidelines May 2016. Collection method: clinical testing. Allele origin: germline. Not counted in ClinVar's aggregate classification.

BRCAlab, Lund University
Classification: Pathogenic for Breast-ovarian cancer, familial, susceptibility to, 1. Last evaluated: 2020-03-02. Review status: no assertion criteria provided. Collection method: clinical testing. Allele origin: germline. Affected: yes. Not counted in ClinVar's aggregate classification.

Literature cited by the submitters: PubMed 22333603 (cited by 3 submitters); PubMed 29446198 (cited by Ambry Genetics and Women's Health and Genetics/Laboratory Corporation of America, LabCorp); PubMed 21702907 (cited by 3 submitters); PubMed 25685387 (cited by Department of Pathology and Laboratory Medicine, Sinai Health System and Labcorp Genetics (formerly Invitae), Labcorp).

NM_007294.4(BRCA1):c.2612delinsTT (p.Pro871fs)

Gene: BRCA1 (BRCA1 DNA repair associated; minus strand). Cytogenetic location: 17q21.31.
Variant type: Indel.
Coding change: c.2612delinsTT on transcript NM_007294.4 (MANE Select); coding-DNA position 2612, C replaced by TT.
Protein change: p.Pro871fs; shifts the reading frame from proline 871.
Molecular consequence: frameshift variant. On other transcripts: intron variant (137).
Genome position (GRCh38, 1-based): chr17:43,092,919, G replaced by AA on the plus strand (C replaced by TT on the coding strand, the reverse complement: BRCA1 is on the minus strand). VCF-style: chr17-43092919-G-AA. GRCh37 (hg19) VCF-style: chr17-41244936-G-AA.
Other names: 2731delC-insTT-ter902; c.2471delinsTT, p.Pro824fs (NM_001407730.1, NM_001407731.1, NM_001407732.1 and 29 more transcripts); c.2468delinsTT, p.Pro823fs (NM_001407740.1, NM_001407741.1, NM_001407742.1 and 20 more transcripts); c.2399delinsTT, p.Pro800fs (NM_001407853.1, NM_001407894.1, NM_001407895.1 and 9 more transcripts); c.2612delinsTT, p.Pro871fs (NM_001407854.1, NM_001407858.1, NM_001407859.1 and 30 more transcripts); c.2609delinsTT, p.Pro870fs (NM_001407860.1, NM_001407861.1, NM_001407587.1 and 22 more transcripts); c.2411delinsTT, p.Pro804fs (NM_001407862.1); c.2489delinsTT, p.Pro830fs (NM_001407863.1, NM_001407919.1, NM_001407937.1 and 19 more transcripts); and 42 more; short protein forms P824fs, P871fs, P782fs, P804fs, P830fs, P744fs, P759fs, P783fs.
Identifiers: ClinVar variation 54620 (VCV000054620.19), dbSNP rs397508986, ClinGen allele CA327824.